The following is an entry in ClinVar:

NM_000091.5(COL4A3):c.1645C>T (p.Gln549Ter)

Genes: COL4A3 (collagen type IV alpha 3 chain; plus strand), MFF-DT (MFF divergent transcript; minus strand). Cytogenetic location: 2q36.3.
Variant type: single nucleotide variant.
Coding change: c.1645C>T on transcript NM_000091.5 (MANE Select); coding-DNA position 1645, C replaced by T.
Protein change: p.Gln549Ter; replaces glutamine 549 with a stop codon.
Molecular consequence: nonsense.
Genome position (GRCh38, 1-based): chr2:227,270,839, C>T. VCF-style: chr2-227270839-C-T. GRCh37 (hg19) VCF-style: chr2-228135555-C-T.
Other names: short protein forms Q549*.
Identifiers: ClinVar variation 1724571 (VCV001724571.2), dbSNP rs2469683983, ClinGen allele CA350871741.

ClinVar aggregate classification (germline): Likely pathogenic (1 of 4 stars; one submission).

Conditions:
Autosomal recessive Alport syndrome (ATS2). Also called: COL4A3-Related Nephropathy; COL4A4 Alport Syndrome and Thin Basement Membrane Nephropathy; ALPORT SYNDROME 2, AUTOSOMAL RECESSIVE; Alport syndrome type 2. Identifiers: Orphanet 63, Orphanet 88919, MedGen C4746745, MONDO:0008762, OMIM 203780.

Allele frequency attached by ClinVar (database versions not stated): gnomAD exomes below 0.00001.
gnomAD v4.1: 1 of 1,614,116 alleles (0.000062%); highest among the groups gnomAD compares: Non-Finnish European, 0.000085%; no homozygotes.

Submission:

Myriad Genetics, Inc.
Classification: Likely pathogenic for Autosomal recessive Alport syndrome. Last evaluated: 2022-02-20. Review status: criteria provided, single submitter. Criteria: Myriad Women's Health Autosomal Recessive and X-Linked Classification Criteria (2021). Collection method: clinical testing. Allele origin: unknown.
Comment: NM_000091.4(COL4A3):c.1645C>T(Q549*) is expected to be pathogenic in the context of COL4A3-related Alport syndrome. This variant is predicted to lead to an abnormal or absent protein product due to the creation of a premature termination codon in COL4A3, a gene where loss-of-function variants are known to be pathogenic. Please note: this variant was assessed in the context of healthy population screening.